The following is an entry in ClinVar:

ClinVar aggregate classification (germline): Pathogenic. Review status: criteria provided, multiple submitters, no conflicts (2 of 4 stars). 6 submissions from 6 submitters: Pathogenic (6). Last evaluated 2026-03-31.

Conditions:
COL7A1-related disorder. Also called: COL7A1-related condition; COL7A1- related disorders.
Generalized dominant dystrophic epidermolysis bullosa (DDEB). Also called: DDEB, generalized; DDEB-gen; DYSTROPHIC EPIDERMOLYSIS BULLOSA, AUTOSOMAL DOMINANT; Epidermolysis bullosa dystrophica, autosomal dominant; Dominant DEB (DDEB). Identifiers: Orphanet 231568, MedGen C0432322, MONDO:0007549, OMIM 131750.
Pretibial dystrophic epidermolysis bullosa. Also called: EPIDERMOLYSIS BULLOSA DYSTROPHICA, PRETIBIAL; Pretibial blistering; Pretibial epidermolysis bullosa. Identifiers: Orphanet 79410, MedGen C0432321, MONDO:0007552, OMIM 131850, HP:0012221.
Inborn genetic diseases. Identifiers: MedGen C0950123, MeSH D030342.

Submissions (6):

PreventionGenetics, part of Exact Sciences
Classification: Pathogenic for COL7A1-related condition. Last evaluated: 2026-03-31. Review status: criteria provided, single submitter. Criteria: ACMG Guidelines, 2015. Collection method: clinical testing. Allele origin: germline.
Comment: The COL7A1 c.6235G>A variant is predicted to result in the amino acid substitution p.Gly2079Arg. This variant has been reported in individuals with autosomal dominant dystrophic epidermolysis bullosa (Christiano et al. 1999. PubMed ID: 10232408; Almaani et al. 2011. PubMed ID: 21448560; Table S1, Natale et al. 2022. PubMed ID: 35979658). This variant has not been documented in a large population database (gnomAD), indicating it is rare. The amino acid residue p.Gly2079 is located in exon 75 and within the triple helical domain of the COL7A1 protein (amino acids 1254-2784; Christiano et al. 1996. PubMed ID: 8644729).  Glycine substitution variants in the triple helical domain (Gly-X-Y; especially in exons 73, 74, and 75) are predominant in autosomal dominant dystrophic epidermolysis bullosa (DDEB; Lucky et al. 2006 [Update 2025]. PubMed ID: 20301481). Given the evidence, we interpret this variant as pathogenic.

Ambry Genetics
Classification: Pathogenic for Inborn genetic diseases. Last evaluated: 2025-10-21. Review status: criteria provided, single submitter. Criteria: Ambry Variant Classification Scheme 2023. Collection method: clinical testing. Allele origin: germline.
Comment: The c.6235G>A (p.G2079R) alteration is located in exon 75 (coding exon 75) of the COL7A1 gene. This alteration results from a G to A substitution at nucleotide position 6235, causing the glycine (G) at amino acid position 2079 to be replaced by an arginine (R). This variant was not reported in population-based cohorts in the Genome Aggregation Database (gnomAD). This variant was reported in individual(s) with features consistent with autosomal dominant COL7A1-related dystrophic epidermolysis bullosa; in at least one individual, it was determined to be de novo (Christiano, 1999; Almeida, 2012; Watson, 2017; Natale, 2022; Bergson, 2023). This variant segregated with disease in at least one family with features consistent with autosomal dominant COL7A1-related dystrophic epidermolysis bullosa (Christiano, 1999; Watson, 2017; Natale, 2022). This variant has also been identified in the homozygous state and/or in conjunction with other COL7A1 variant(s) in individual(s) with features consistent with autosomal recessive COL7A1-related dystrophic epidermolysis bullosa; in at least one instance, the variants were identified in trans (Watson, 2017). This amino acid position is highly conserved in available vertebrate species. This alteration is predicted to be deleterious by in silico analysis. Based on the available evidence, this alteration is classified as pathogenic.

Women's Health and Genetics/Laboratory Corporation of America, LabCorp
Classification: Pathogenic for Pretibial dystrophic epidermolysis bullosa. Last evaluated: 2024-12-04. Review status: criteria provided, single submitter. Criteria: LabCorp Variant Classification Summary - May 2015. Collection method: clinical testing. Allele origin: germline.
Comment: Variant summary: COL7A1 c.6235G>A (p.Gly2079Arg) results in a non-conservative amino acid change in the encoded protein sequence. Five of five in-silico tools predict a damaging effect of the variant on protein function. The variant was absent in 250850 control chromosomes (gnomAD). c.6235G>A has been reported in the literature in multiple individuals affected with Dystrophic Epidermolysis Bullosa, Dominant (e.g. Christiano_1999, Natale_2022, Bergson_2023). These data indicate that the variant is very likely to be associated with disease. The following publications have been ascertained in the context of this evaluation (PMID: 10232408, 37827535, 35979658). ClinVar contains an entry for this variant (Variation ID: 1212890). Based on the evidence outlined above, the variant was classified as pathogenic.

Labcorp Genetics (formerly Invitae), Labcorp
Classification: Pathogenic. Last evaluated: 2024-05-07. Review status: criteria provided, single submitter. Criteria: Invitae Variant Classification Sherloc (09022015). Collection method: clinical testing. Allele origin: germline.
Comment: This sequence change replaces glycine, which is neutral and non-polar, with arginine, which is basic and polar, at codon 2079 of the COL7A1 protein (p.Gly2079Arg). This variant is not present in population databases (gnomAD no frequency). This missense change has been observed in individual(s) with autosomal dominant dystrophic epidermolysis bullosa and/or autosomal recessive dystrophic epidermolysis bullosa (PMID: 10504458, 21448560, 22481662, 28297147, 35979658). In at least one individual the variant was observed to be de novo. ClinVar contains an entry for this variant (Variation ID: 1212890). Advanced modeling of protein sequence and biophysical properties (such as structural, functional, and spatial information, amino acid conservation, physicochemical variation, residue mobility, and thermodynamic stability) performed at Invitae indicates that this missense variant is expected to disrupt COL7A1 protein function with a positive predictive value of 95%. This variant disrupts the triple helix domain of COL7A1. Glycine residues within the Gly-Xaa-Yaa repeats of the triple helix domain are required for the structure and stability of fibrillar collagens (PMID: 7695699, 8218237, 19344236), and variants at these glycine residues in COL7A1 are more frequently observed in individuals with disease than in the general population (PMID: 22058051). However, the clinical significance of this observation remains uncertain since only a limited number of affected individuals have been described to date. For these reasons, this variant has been classified as Pathogenic.

GeneDx
Classification: Pathogenic. Last evaluated: 2023-06-06. Review status: criteria provided, single submitter. Criteria: GeneDx Variant Classification Process June 2021. Collection method: clinical testing. Allele origin: germline. Affected: yes.
Comment: Located in the highly conserved Gly-X-Y repeat of the collagenous domain; Glycine substitution variants in this region of the COLVII protein destabilize the collagen triple helix resulting in skin fragility due to poor anchoring of the basement membrane to the underlying dermis (Pfendner and Lucky, 2018); Not observed in large population cohorts (gnomAD); In silico analysis supports that this missense variant has a deleterious effect on protein structure/function; This variant is associated with the following publications: (PMID: 24265154, 21448560, 25525159, 10232408, 16439963, 24474107, 10504458, 28297147, 22481662)

Center for Research in Genodermatoses and Epidermolysis Bullosa, University of Buenos Aires
Classification: Pathogenic for Generalized dominant dystrophic epidermolysis bullosa. Last evaluated: 2022-03-14. Review status: criteria provided, single submitter. Criteria: ACMG Guidelines, 2015. Collection method: clinical testing. Allele origin: germline. Affected: yes. Observed: 2 variant alleles, 2 heterozygotes.

Literature cited by the submitters: PubMed 10232408 (cited by 3 submitters); PubMed 22481662 (cited by Ambry Genetics and Labcorp Genetics (formerly Invitae), Labcorp); PubMed 28297147 (cited by Ambry Genetics and Labcorp Genetics (formerly Invitae), Labcorp); PubMed 35979658 (cited by 4 submitters); PubMed 37827535 (cited by Ambry Genetics and Women's Health and Genetics/Laboratory Corporation of America, LabCorp); PubMed 10504458 (cited by Labcorp Genetics (formerly Invitae), Labcorp); PubMed 21448560 (cited by Labcorp Genetics (formerly Invitae), Labcorp); PubMed 7695699 (cited by Labcorp Genetics (formerly Invitae), Labcorp); PubMed 8218237 (cited by Labcorp Genetics (formerly Invitae), Labcorp); PubMed 19344236 (cited by Labcorp Genetics (formerly Invitae), Labcorp); PubMed 22058051 (cited by Labcorp Genetics (formerly Invitae), Labcorp).

NM_000094.4(COL7A1):c.6235G>A (p.Gly2079Arg)

Gene: COL7A1 (collagen type VII alpha 1 chain; minus strand). Cytogenetic location: 3p21.31.
Variant type: single nucleotide variant.
Coding change: c.6235G>A on transcript NM_000094.4 (MANE Select); coding-DNA position 6235, G replaced by A.
Protein change: p.Gly2079Arg; replaces glycine 2079 with arginine.
Molecular consequence: missense variant.
Genome position (GRCh38, 1-based): chr3:48,575,108, C>T on the plus strand (G>A on the coding strand, the complement: COL7A1 is on the minus strand). VCF-style: chr3-48575108-C-T. GRCh37 (hg19) VCF-style: chr3-48612541-C-T.
Other names: short protein forms G2079R.
Identifiers: ClinVar variation 1212890 (VCV001212890.30), dbSNP rs2107671960, ClinGen allele CA352662335.
Genomic context (GRCh38, chr3:48,575,108, plus strand): 5'-GGGATGGGGTGATCACCTTGGGGCCAGGGGGTCCGGGGGGCCCAGGGGTTCCAGGGAGTC[C>T]AGGAGGGCCATCTCTGCCCTGCAGGAAACAAGAAAATGGGGTGGCAGCCCCAGCACAGCC-3'
Protein context (NP_000085.1, residues 2069-2089): RGEQGRDGPP[Gly2079Arg]LPGTPGPPGP